The following is an entry in ClinVar:

NM_001130987.2(DYSF):c.2519A>G (p.Asn840Ser)

Gene: DYSF (dysferlin; plus strand). Cytogenetic location: 2p13.2.
Variant type: single nucleotide variant.
Coding change: c.2519A>G on transcript NM_001130987.2 (MANE Select); coding-DNA position 2519, A replaced by G.
Protein change: p.Asn840Ser; replaces asparagine 840 with serine.
Molecular consequence: missense variant.
Genome position (GRCh38, 1-based): chr2:71,564,167, A>G. VCF-style: chr2-71564167-A-G. GRCh37 (hg19) VCF-style: chr2-71791297-A-G.
Other names: c.2468A>G, p.Asn823Ser (NM_001130455.2, NM_001130983.2); c.2423A>G, p.Asn808Ser (NM_001130976.2, NM_001130977.2); c.2465A>G, p.Asn822Ser (NM_001130978.2, NM_003494.4); c.2558A>G, p.Asn853Ser (NM_001130979.2); c.2516A>G, p.Asn839Ser (NM_001130980.2, NM_001130981.2); c.2561A>G, p.Asn854Ser (NM_001130982.2); c.2426A>G, p.Asn809Ser (NM_001130984.2, NM_001130986.2); c.2519A>G, p.Asn840Ser (NM_001130985.2); short protein forms N840S, N808S, N822S, N823S, N853S, N809S, N839S, N854S.
Identifiers: ClinVar variation 2141847 (VCV002141847.4), dbSNP rs1411430887, ClinGen allele CA347211593.
Genomic context (GRCh38, chr2:71,564,167, plus strand): 5'-AGCGTGTGGCATACCAGCGGGTGCCCGCCCACCAAGTCCTCTTCTCCCGGCGGGGTGCCA[A>G]CTACTGTGGCAAGAATTGTGGGAAGCTACAGACAATCTTTCTGAAAGTGAGTTTTCTTTT-3'
Protein context (NP_001124459.1, residues 830-850): HQVLFSRRGA[Asn840Ser]YCGKNCGKLQ

ClinVar aggregate classification (germline): Uncertain significance (1 of 4 stars; one submission).

Conditions:
Neuromuscular disease caused by qualitative or quantitative defects of dysferlin. Also called: Qualitative or quantitative defects of dysferlin; Dysferlinopathy. Identifiers: Orphanet 207073, MedGen C2931687, MONDO:0016145.

Allele frequency attached by ClinVar (database versions not stated): gnomAD 0.00001; TOPMed 0.00001.
gnomAD v4.1: 2 of 1,614,140 alleles (0.00012%); highest among the groups gnomAD compares: Middle Eastern, 0.016%; no homozygotes.

Submission:

Labcorp Genetics (formerly Invitae), Labcorp
Classification: Uncertain significance for Neuromuscular disease caused by qualitative or quantitative defects of dysferlin. Last evaluated: 2022-06-15. Review status: criteria provided, single submitter. Criteria: Invitae Variant Classification Sherloc (09022015). Collection method: clinical testing. Allele origin: germline.
Comment: Algorithms developed to predict the effect of sequence changes on RNA splicing suggest that this variant may create or strengthen a splice site. In summary, the available evidence is currently insufficient to determine the role of this variant in disease. Therefore, it has been classified as a Variant of Uncertain Significance. Advanced modeling of protein sequence and biophysical properties (such as structural, functional, and spatial information, amino acid conservation, physicochemical variation, residue mobility, and thermodynamic stability) performed at Invitae indicates that this missense variant is not expected to disrupt DYSF protein function. This variant has not been reported in the literature in individuals affected with DYSF-related conditions. This variant is not present in population databases (gnomAD no frequency). This sequence change replaces asparagine, which is neutral and polar, with serine, which is neutral and polar, at codon 822 of the DYSF protein (p.Asn822Ser).